The following is an entry in ClinVar:

NM_020937.4(FANCM):c.1518G>A (p.Met506Ile)

Gene: FANCM (FA complementation group M; plus strand). Cytogenetic location: 14q21.2.
Variant type: single nucleotide variant.
Coding change: c.1518G>A on transcript NM_020937.4 (MANE Select); coding-DNA position 1518, G replaced by A.
Protein change: p.Met506Ile; replaces methionine 506 with isoleucine.
Molecular consequence: missense variant.
Genome position (GRCh38, 1-based): chr14:45,159,217, G>A. VCF-style: chr14-45159217-G-A. GRCh37 (hg19) VCF-style: chr14-45628420-G-A.
Other names: c.1440G>A, p.Met480Ile (NM_001308133.2); c.1518G>A, p.Met506Ile (NM_001308134.2); short protein forms M506I, M480I.
Identifiers: ClinVar variation 643944 (VCV000643944.8), dbSNP rs1236513030, ClinGen allele CA389592621.

ClinVar aggregate classification (germline): Uncertain significance (1 of 4 stars; one submission).

Conditions:
Fanconi anemia (FA). Also called: Fanconi's anemia. Identifiers: Orphanet 84, MedGen C0015625, MeSH D005199, MONDO:0019391.

Allele frequency attached by ClinVar (database versions not stated): gnomAD exomes below 0.00001.
gnomAD v4.1: 4 of 1,613,894 alleles (0.00025%); highest among the groups gnomAD compares: African/African-American, 0.0027%; no homozygotes.

Submission:

Labcorp Genetics (formerly Invitae), Labcorp
Classification: Uncertain significance for Fanconi anemia. Last evaluated: 2023-08-16. Review status: criteria provided, single submitter. Criteria: Invitae Variant Classification Sherloc (09022015). Collection method: clinical testing. Allele origin: germline.
Comment: This variant is present in population databases (no rsID available, gnomAD no frequency). This variant has not been reported in the literature in individuals affected with FANCM-related conditions. ClinVar contains an entry for this variant (Variation ID: 643944). An algorithm developed to predict the effect of missense changes on protein structure and function (PolyPhen-2) suggests that this variant is likely to be disruptive. In summary, the available evidence is currently insufficient to determine the role of this variant in disease. Therefore, it has been classified as a Variant of Uncertain Significance. This sequence change replaces methionine, which is neutral and non-polar, with isoleucine, which is neutral and non-polar, at codon 506 of the FANCM protein (p.Met506Ile).